The following is an entry in ClinVar:

ClinVar aggregate classification (germline): Likely pathogenic (1 of 4 stars; one submission).

Conditions:
Dilated cardiomyopathy 1G (CMD1G). Identifiers: Orphanet 154, MedGen C1858763, MONDO:0011400, OMIM 604145.
Autosomal recessive limb-girdle muscular dystrophy type 2J (LGMDR10). Also called: MUSCULAR DYSTROPHY, LIMB-GIRDLE, AUTOSOMAL RECESSIVE 10; Limb-girdle muscular dystrophy, type 2J. Identifiers: Orphanet 140922, MedGen C1837342, MONDO:0012127, OMIM 608807.

Allele frequency attached by ClinVar (database versions not stated): TOPMed 0.00002.

Submission:

Labcorp Genetics (formerly Invitae), Labcorp
Classification: Likely pathogenic for Dilated cardiomyopathy 1G; Autosomal recessive limb-girdle muscular dystrophy type 2J. Last evaluated: 2025-10-17. Review status: criteria provided, single submitter. Criteria: Invitae Variant Classification Sherloc (09022015). Collection method: clinical testing. Allele origin: germline.
Comment: This sequence change creates a premature translational stop signal (p.Trp35735*) in the TTN gene. While this is not anticipated to result in nonsense mediated decay, it is expected to create a truncated TTN protein. This variant is not present in population databases (gnomAD no frequency). This variant has not been reported in the literature in individuals affected with TTN-related conditions. ClinVar contains an entry for this variant (Variation ID: 2942769). This variant is located in the M band of TTN (PMID: 25589632). Truncating variants in this region have been previously reported in individuals affected with autosomal dominant or autosomal recessive myopathy and muscular dystrophy (PMID: 18948003, 23975875, 24395473). Truncating variants in this region have also been identified in individuals affected with autosomal dominant dilated cardiomyopathy and/or cardio-related conditions (PMID: 27869827, 32964742, internal data). In summary, the currently available evidence indicates that the variant is pathogenic, but additional data are needed to prove that conclusively. Therefore, this variant has been classified as Likely Pathogenic.

Literature cited by the submitters: PubMed 25589632; PubMed 18948003; PubMed 23975875; PubMed 24395473; PubMed 27869827; PubMed 32964742.

NM_001267550.2(TTN):c.107204G>A (p.Trp35735Ter)

Genes: TTN-AS1 (TTN antisense RNA 1; plus strand), TTN (titin; minus strand). Cytogenetic location: 2q31.2.
Variant type: single nucleotide variant.
Coding change: c.107204G>A on transcript NM_001267550.2 (MANE Select); coding-DNA position 107204, G replaced by A.
Protein change: p.Trp35735Ter; replaces tryptophan 35735 with a stop codon.
Molecular consequence: nonsense.
Genome position (GRCh38, 1-based): chr2:178,528,547, C>T on the plus strand (G>A on the coding strand, the complement: TTN is on the minus strand). VCF-style: chr2-178528547-C-T. GRCh37 (hg19) VCF-style: chr2-179393274-C-T.
Other names: c.102281G>A, p.Trp34094Ter (NM_001256850.1); c.80009G>A, p.Trp26670Ter (NM_003319.4); c.99500G>A, p.Trp33167Ter (NM_133378.4); c.80384G>A, p.Trp26795Ter (NM_133432.3); c.80585G>A, p.Trp26862Ter (NM_133437.4); short protein forms W26670*, W33167*, W26862*, W34094*, W26795*, W35735*.
Identifiers: ClinVar variation 2942769 (VCV002942769.3), dbSNP rs944284466, ClinGen allele CA60950110.